The following is an entry in ClinVar:

NM_177402.5(SYT2):c.289_291del (p.Glu97del)

Gene: SYT2 (synaptotagmin 2; minus strand). Cytogenetic location: 1q32.1.
Variant type: Deletion.
Coding change: c.289_291del on transcript NM_177402.5 (MANE Select); coding-DNA positions 289 to 291, 3 bases deleted (GAG; older notation c.289_291delGAG).
Protein change: p.Glu97del; deletes glutamic acid 97.
Molecular consequence: inframe deletion.
Genome position (GRCh38, 1-based): chr1:202,604,509-202,604,511, CTC deleted on the plus strand (GAG on the coding strand, the reverse complement: SYT2 is on the minus strand); deleting any 3 consecutive bases within chr1:202,604,509-202,604,513 gives the same sequence; the c. name uses the placement nearest the transcript's 3' end. VCF-style (leftmost placement, unchanged base first): chr1-202604508-TCTC-T. GRCh37 (hg19) VCF-style: chr1-202573636-TCTC-T.
Other names: c.289_291del, p.Glu97del (NM_001136504.1); short protein forms E97del.
Identifiers: ClinVar variation 2176872 (VCV002176872.4), dbSNP rs1393433407, ClinGen allele CA528130968.

ClinVar aggregate classification (germline): Uncertain significance (1 of 4 stars; one submission).

Submission:

Labcorp Genetics (formerly Invitae), Labcorp
Classification: Uncertain significance. Last evaluated: 2022-06-24. Review status: criteria provided, single submitter. Criteria: Invitae Variant Classification Sherloc (09022015). Collection method: clinical testing. Allele origin: germline.
Comment: This variant, c.289_291del, results in the deletion of 1 amino acid(s) of the SYT2 protein (p.Glu97del), but otherwise preserves the integrity of the reading frame. This variant is present in population databases (no rsID available, gnomAD 0.0009%). This variant has not been reported in the literature in individuals affected with SYT2-related conditions. Experimental studies and prediction algorithms are not available or were not evaluated, and the functional significance of this variant is currently unknown. In summary, the available evidence is currently insufficient to determine the role of this variant in disease. Therefore, it has been classified as a Variant of Uncertain Significance.